The following is an entry in ClinVar:

ClinVar aggregate classification (germline): Uncertain significance. Review status: criteria provided, multiple submitters, no conflicts (2 of 4 stars). 3 submissions from 3 submitters: Uncertain significance (3). Last evaluated 2025-01-08.

Conditions:
Combined immunodeficiency due to LRBA deficiency. Also called: Common variable immunodeficiency 8, with autoimmunity. Identifiers: Orphanet 445018, MedGen C3553512, MONDO:0013863, OMIM 614700.
Inborn genetic diseases. Identifiers: MedGen C0950123, MeSH D030342.

Allele frequency attached by ClinVar (database versions not stated): gnomAD 0.00001; ExAC 0.00001; TOPMed 0.00001.
gnomAD v4.1: 18 of 1,613,978 alleles (0.0011%); highest among the groups gnomAD compares: East Asian, 0.0089%; no homozygotes.

Submissions (3):

Ambry Genetics
Classification: Uncertain significance for Inborn genetic diseases. Last evaluated: 2025-01-08. Review status: criteria provided, single submitter. Criteria: Ambry Variant Classification Scheme 2023. Collection method: clinical testing. Allele origin: germline.

Genetic Services Laboratory, University of Chicago
Classification: Uncertain significance. Last evaluated: 2023-02-24. Review status: criteria provided, single submitter. Criteria: ACMG Guidelines, 2015. Collection method: clinical testing. Allele origin: germline. Affected: no.
Comment: DNA sequence analysis of the LRBA gene demonstrated a sequence change, c.8464G>A, in exon 57 that results in an amino acid change, p.Ala2822Thr. This sequence change does not appear to have been previously described in individuals with LRBA-related disorders. This sequence change has been described in the gnomAD database in two individuals which corresponds to a population frequency of 0.0008% (dbSNP rs781586380). The p.Ala2822Thr change affects a highly conserved amino acid residue located in a domain of the LRBA protein that is known to be functional. In-silico pathogenicity prediction tools (SIFT, PolyPhen2, Align GVGD, REVEL) provide contradictory results for the p.Ala2822Thr substitution. Due to insufficient evidence and the lack of functional studies, the clinical significance of the p.Ala2822Thr change remains unknown at this time.

Labcorp Genetics (formerly Invitae), Labcorp
Classification: Uncertain significance for Combined immunodeficiency due to LRBA deficiency. Last evaluated: 2021-08-26. Review status: criteria provided, single submitter. Criteria: Invitae Variant Classification Sherloc (09022015). Collection method: clinical testing. Allele origin: germline.
Comment: This sequence change replaces alanine with threonine at codon 2822 of the LRBA protein (p.Ala2822Thr). The alanine residue is moderately conserved and there is a small physicochemical difference between alanine and threonine. This variant is present in population databases (rs781586380, ExAC 0.01%). This variant has not been reported in the literature in individuals affected with LRBA-related conditions. Algorithms developed to predict the effect of missense changes on protein structure and function are either unavailable or do not agree on the potential impact of this missense change (SIFT: "Tolerated"; PolyPhen-2: "Probably Damaging"; Align-GVGD: "Class C0"). In summary, the available evidence is currently insufficient to determine the role of this variant in disease. Therefore, it has been classified as a Variant of Uncertain Significance.

NM_001364905.1(LRBA):c.8431G>A (p.Ala2811Thr)

Gene: LRBA (LPS responsive beige-like anchor protein; minus strand). Cytogenetic location: 4q31.3.
Variant type: single nucleotide variant.
Coding change: c.8431G>A on transcript NM_001364905.1 (MANE Select); coding-DNA position 8431, G replaced by A.
Protein change: p.Ala2811Thr; replaces alanine 2811 with threonine.
Molecular consequence: missense variant.
Genome position (GRCh38, 1-based): chr4:150,277,890, C>T on the plus strand (G>A on the coding strand, the complement: LRBA is on the minus strand). VCF-style: chr4-150277890-C-T. GRCh37 (hg19) VCF-style: chr4-151199042-C-T.
Other names: c.8428G>A, p.Ala2810Thr (NM_001199282.3); c.8446G>A, p.Ala2816Thr (NM_001367550.1); c.8464G>A, p.Ala2822Thr (NM_006726.5); short protein forms A2816T, A2810T, A2822T, A2811T.
Identifiers: ClinVar variation 969835 (VCV000969835.10), dbSNP rs781586380, ClinGen allele CA3101346.